The following is an entry in ClinVar:

NM_000463.3(UGT1A1):c.161G>T (p.Gly54Val)

Genes: UGT1A (UDP glucuronosyltransferase family 1 member A complex locus; plus strand), UGT1A1 (UDP glucuronosyltransferase family 1 member A1; plus strand), UGT1A10 (UDP glucuronosyltransferase family 1 member A10; plus strand), UGT1A3 (UDP glucuronosyltransferase family 1 member A3; plus strand), UGT1A4 (UDP glucuronosyltransferase family 1 member A4; plus strand) and 5 more. Cytogenetic location: 2q37.1.
Variant type: single nucleotide variant.
Coding change: c.161G>T on transcript NM_000463.3 (MANE Select); coding-DNA position 161, G replaced by T.
Protein change: p.Gly54Val; replaces glycine 54 with valine.
Molecular consequence: missense variant. On other transcripts: intron variant (9).
Genome position (GRCh38, 1-based): chr2:233,760,448, G>T. VCF-style: chr2-233760448-G-T. GRCh37 (hg19) VCF-style: chr2-234669094-G-T.
Other names: c.856-6586G>T (NM_019076.5, NM_019075.4, NM_021027.3 and 1 more transcripts); c.61-6586G>T (NM_205862.3); c.862-6586G>T (NM_001072.4); c.868-6586G>T (NM_019078.2, NM_007120.3, NM_019093.4); short protein forms G54V.
Identifiers: ClinVar variation 3357495 (VCV003357495.1).

ClinVar aggregate classification (germline): Uncertain significance (0 of 4 stars; one submission).

Conditions:
UGT1A1-related disorder. Also called: UGT1A1-related condition; UGT1A1-related disorders.

gnomAD v4.1: 19 of 1,614,238 alleles (0.0012%); highest among the groups gnomAD compares: Middle Eastern, 0.13%; no homozygotes.

Submission:

PreventionGenetics, part of Exact Sciences
Classification: Uncertain significance for UGT1A1-related condition. Last evaluated: 2024-03-15. Review status: no assertion criteria provided. Collection method: clinical testing. Allele origin: germline.
Comment: The UGT1A1 c.161G>T variant is predicted to result in the amino acid substitution p.Gly54Val. To our knowledge, this variant has not been reported in the literature. This variant is reported in 0.020% of alleles in individuals of Latino descent in gnomAD. At this time, the clinical significance of this variant is uncertain due to the absence of conclusive functional and genetic evidence.